The following is an entry in ClinVar:

NM_004655.4(AXIN2):c.2300C>T (p.Thr767Ile)

Gene: AXIN2 (axin 2; minus strand). Cytogenetic location: 17q24.1.
Variant type: single nucleotide variant.
Coding change: c.2300C>T on transcript NM_004655.4 (MANE Select); coding-DNA position 2300, C replaced by T.
Protein change: p.Thr767Ile; replaces threonine 767 with isoleucine.
Molecular consequence: missense variant.
Genome position (GRCh38, 1-based): chr17:65,534,017, G>A on the plus strand (C>T on the coding strand, the complement: AXIN2 is on the minus strand). VCF-style: chr17-65534017-G-A. GRCh37 (hg19) VCF-style: chr17-63530135-G-A.
Other names: c.2105C>T, p.Thr702Ile (NM_001363813.1); short protein forms T702I, T767I.
Identifiers: ClinVar variation 2102446 (VCV002102446.5), dbSNP rs763613779, ClinGen allele CA400675555.

ClinVar aggregate classification (germline): Uncertain significance. Review status: criteria provided, multiple submitters, no conflicts (2 of 4 stars). 2 submissions from 2 submitters: Uncertain significance (2). Last evaluated 2026-07-06.

Conditions:
Hereditary cancer-predisposing syndrome. Also called: Tumor predisposition; Hereditary Cancer Syndrome; Hereditary neoplastic syndrome; Neoplastic Syndromes, Hereditary. Identifiers: Orphanet 140162, MedGen C0027672, MeSH D009386, MONDO:0015356.
Oligodontia-cancer predisposition syndrome. Also called: TOOTH AGENESIS-COLORECTAL CANCER SYNDROME. Identifiers: Orphanet 300576, MedGen C1837750, MONDO:0012075, OMIM 608615. Disease mechanism: loss of function.

Submissions (2):

Ambry Genetics
Classification: Uncertain significance for Hereditary cancer-predisposing syndrome. Last evaluated: 2026-07-06. Review status: criteria provided, single submitter. Criteria: Ambry Variant Classification Scheme 2023. Collection method: clinical testing. Allele origin: germline.
Comment: The p.T767I variant (also known as c.2300C>T), located in coding exon 9 of the AXIN2 gene, results from a C to T substitution at nucleotide position 2300. The threonine at codon 767 is replaced by isoleucine, an amino acid with similar properties. This amino acid position is conserved. In addition, this alteration is predicted to be deleterious by in silico analysis. Based on the available evidence, the clinical significance of this variant remains unclear.

Labcorp Genetics (formerly Invitae), Labcorp
Classification: Uncertain significance for Oligodontia-cancer predisposition syndrome. Last evaluated: 2022-02-23. Review status: criteria provided, single submitter. Criteria: Invitae Variant Classification Sherloc (09022015). Collection method: clinical testing. Allele origin: germline.
Comment: This sequence change replaces threonine, which is neutral and polar, with isoleucine, which is neutral and non-polar, at codon 767 of the AXIN2 protein (p.Thr767Ile). This variant is not present in population databases (gnomAD no frequency). This variant has not been reported in the literature in individuals affected with AXIN2-related conditions. Algorithms developed to predict the effect of missense changes on protein structure and function are either unavailable or do not agree on the potential impact of this missense change (SIFT: "Tolerated"; PolyPhen-2: "Probably Damaging"; Align-GVGD: "Class C0"). In summary, the available evidence is currently insufficient to determine the role of this variant in disease. Therefore, it has been classified as a Variant of Uncertain Significance.